The following is an entry in ClinVar:

ClinVar aggregate classification (germline): Pathogenic (1 of 4 stars; one submission).

Conditions:
Familial thoracic aortic aneurysm and aortic dissection (TAAD). Also called: Thoracic aortic aneurysms and dissections. Identifiers: Orphanet 91387, MedGen C4707243, MONDO:0019625.

Submission:

Color Diagnostics, LLC DBA Color Health
Classification: Pathogenic for Familial thoracic aortic aneurysm and aortic dissection. Last evaluated: 2019-02-04. Review status: criteria provided, single submitter. Criteria: ACMG Guidelines, 2015. Collection method: clinical testing. Allele origin: germline.
Comment: This variant changes 1 nucleotide in exon 3 of the FBN1 gene, creating a premature translation stop signal. This variant is expected to result in an absent or non-functional protein product. To our knowledge, functional assays have not been performed for this variant nor has this variant been reported in individuals affected with cardiovascular disorders in the literature. This variant has not been identified in the general population by the Genome Aggregation Database (gnomAD). Loss of FBN1 function is a known mechanism of disease. Loss of FBN1 function is a known mechanism of disease. Based on available evidence, this variant is classified as Pathogenic.

NM_000138.5(FBN1):c.177T>A (p.Cys59Ter)

Gene: FBN1 (fibrillin 1; minus strand). Cytogenetic location: 15q21.1.
Variant type: single nucleotide variant.
Coding change: c.177T>A on transcript NM_000138.5 (MANE Select); coding-DNA position 177, T replaced by A.
Protein change: p.Cys59Ter; replaces cysteine 59 with a stop codon.
Molecular consequence: nonsense.
Genome position (GRCh38, 1-based): chr15:48,613,080, A>T on the plus strand (T>A on the coding strand, the complement: FBN1 is on the minus strand). VCF-style: chr15-48613080-A-T. GRCh37 (hg19) VCF-style: chr15-48905277-A-T.
Other names: short protein forms C59*.
Identifiers: ClinVar variation 920806 (VCV000920806.3), dbSNP rs2044669557, ClinGen allele CA392448509.